The following is an entry in ClinVar:

ClinVar aggregate classification (germline): Uncertain significance. Review status: criteria provided, multiple submitters, no conflicts (2 of 4 stars). 2 submissions from 2 submitters: Uncertain significance (2). Last evaluated 2025-11-07.

Conditions:
Inborn genetic diseases. Identifiers: MedGen C0950123, MeSH D030342.

Allele frequency attached by ClinVar (database versions not stated): gnomAD 0.00008.
gnomAD v4.1: 63 of 1,466,350 alleles (0.0043%); highest among the groups gnomAD compares: African/African-American, 0.0089%; no homozygotes.

Submissions (2):

Labcorp Genetics (formerly Invitae), Labcorp
Classification: Uncertain significance. Last evaluated: 2025-11-07. Review status: criteria provided, single submitter. Criteria: Invitae Variant Classification Sherloc (09022015). Collection method: clinical testing. Allele origin: germline.
Comment: This sequence change replaces arginine, which is basic and polar, with tryptophan, which is neutral and slightly polar, at codon 453 of the COLGALT1 protein (p.Arg453Trp). This variant is present in population databases (rs572639404, gnomAD 0.007%). This variant has not been reported in the literature in individuals affected with COLGALT1-related conditions. ClinVar contains an entry for this variant (Variation ID: 2210429). Invitae Evidence Modeling of protein sequence and biophysical properties (such as structural, functional, and spatial information, amino acid conservation, physicochemical variation, residue mobility, and thermodynamic stability) indicates that this missense variant is not expected to disrupt COLGALT1 protein function with a negative predictive value of 80%. In summary, the available evidence is currently insufficient to determine the role of this variant in disease. Therefore, it has been classified as a Variant of Uncertain Significance.

Ambry Genetics
Classification: Uncertain significance for Inborn genetic diseases. Last evaluated: 2024-12-22. Review status: criteria provided, single submitter. Criteria: Ambry Variant Classification Scheme 2023. Collection method: clinical testing. Allele origin: germline.

NM_024656.4(COLGALT1):c.1357C>T (p.Arg453Trp)

Gene: COLGALT1 (collagen beta(1-O)galactosyltransferase 1; plus strand). Cytogenetic location: 19p13.11.
Variant type: single nucleotide variant.
Coding change: c.1357C>T on transcript NM_024656.4 (MANE Select); coding-DNA position 1357, C replaced by T.
Protein change: p.Arg453Trp; replaces arginine 453 with tryptophan.
Molecular consequence: missense variant.
Genome position (GRCh38, 1-based): chr19:17,579,572, C>T. VCF-style: chr19-17579572-C-T. GRCh37 (hg19) VCF-style: chr19-17690381-C-T.
Other names: short protein forms R453W.
Identifiers: ClinVar variation 2210429 (VCV002210429.4), dbSNP rs572639404, ClinGen allele CA9297273.